The following is an entry in ClinVar:

ClinVar aggregate classification (germline): Uncertain significance. Review status: criteria provided, multiple submitters, no conflicts (2 of 4 stars). 3 submissions from 3 submitters: Uncertain significance (3). Last evaluated 2025-07-07.

Conditions:
Baller-Gerold syndrome (BGS). Also called: CRANIOSYNOSTOSIS WITH RADIAL DEFECTS. Identifiers: Orphanet 1225, MedGen C0265308, MONDO:0009039, OMIM 218600.
Rapadilino syndrome. Identifiers: Orphanet 3021, MedGen C1849453, MONDO:0009955, OMIM 266280.
Rothmund-Thomson syndrome type 2 (RTS2). Identifiers: Orphanet 221016, MedGen C5203410, MONDO:0016369, OMIM 268400.
Inborn genetic diseases. Identifiers: MedGen C0950123, MeSH D030342.

Allele frequency attached by ClinVar (database versions not stated): gnomAD 0.00001; gnomAD exomes 0.00002 and 0.00003; TOPMed 0.00002; ExAC 0.00004.
gnomAD v4.1: 19 of 1,611,538 alleles (0.0012%); highest among the groups gnomAD compares: Admixed American, 0.005%; no homozygotes.

Submissions (3):

Ambry Genetics
Classification: Uncertain significance for Inborn genetic diseases. Last evaluated: 2025-07-07. Review status: criteria provided, single submitter. Criteria: Ambry Variant Classification Scheme 2023. Collection method: clinical testing. Allele origin: germline.
Comment: The p.E1112K variant (also known as c.3334G>A), located in coding exon 19 of the RECQL4 gene, results from a G to A substitution at nucleotide position 3334. The glutamic acid at codon 1112 is replaced by lysine, an amino acid with similar properties. This amino acid position is conserved. Based on the available evidence, the clinical significance of this variant remains unclear.

Labcorp Genetics (formerly Invitae), Labcorp
Classification: Uncertain significance for Baller-Gerold syndrome. Last evaluated: 2024-10-28. Review status: criteria provided, single submitter. Criteria: Invitae Variant Classification Sherloc (09022015). Collection method: clinical testing. Allele origin: germline.
Comment: This sequence change replaces glutamic acid, which is acidic and polar, with lysine, which is basic and polar, at codon 1112 of the RECQL4 protein (p.Glu1112Lys). This variant is present in population databases (rs753620447, gnomAD 0.006%). This variant has not been reported in the literature in individuals affected with RECQL4-related conditions. ClinVar contains an entry for this variant (Variation ID: 576331). Invitae Evidence Modeling of protein sequence and biophysical properties (such as structural, functional, and spatial information, amino acid conservation, physicochemical variation, residue mobility, and thermodynamic stability) indicates that this missense variant is not expected to disrupt RECQL4 protein function with a negative predictive value of 80%. In summary, the available evidence is currently insufficient to determine the role of this variant in disease. Therefore, it has been classified as a Variant of Uncertain Significance.

Department of Pathology and Laboratory Medicine, Sinai Health System
Classification: Uncertain significance for Baller-Gerold syndrome; Rapadilino syndrome; Rothmund-Thomson syndrome type 2. Last evaluated: 2023-02-21. Review status: criteria provided, single submitter. Criteria: ACMG Guidelines, 2015. Collection method: research. Allele origin: germline.

NM_004260.4(RECQL4):c.3334G>A (p.Glu1112Lys)

Gene: RECQL4 (RecQ like helicase 4; minus strand). Cytogenetic location: 8q24.3.
Variant type: single nucleotide variant.
Coding change: c.3334G>A on transcript NM_004260.4 (MANE Select); coding-DNA position 3334, G replaced by A.
Protein change: p.Glu1112Lys; replaces glutamic acid 1112 with lysine.
Molecular consequence: missense variant.
Genome position (GRCh38, 1-based): chr8:144,511,970, C>T on the plus strand (G>A on the coding strand, the complement: RECQL4 is on the minus strand). VCF-style: chr8-144511970-C-T. GRCh37 (hg19) VCF-style: chr8-145737353-C-T.
Other names: short protein forms E1112K.
Identifiers: ClinVar variation 576331 (VCV000576331.9), dbSNP rs753620447, ClinGen allele CA4947813.